The following is an entry in ClinVar:

ClinVar aggregate classification (germline): Uncertain significance (1 of 4 stars; one submission).

Conditions:
FGFR3-related chondrodysplasia. Identifiers: Orphanet 93420, MedGen C5681604, MONDO:0019685.

Submission:

Genomenon, Inc
Classification: Uncertain significance for FGFR3-related chondrodysplasia. Last evaluated: 2026-06-23. Review status: criteria provided, single submitter. Criteria: Genomenon Sequence Variant Interpretation Standards - Updated. Collection method: curation. Allele origin: germline. Affected: no.
Comment: FGFR3 p.Thr651Pro (c.1951A>C) is a missense variant that changes the amino acid at codon 651 from Threonine to Proline. This variant has been reported in the published literature (PMID:24352917). It is absent or not present at a significant frequency in gnomAD. In silico models predict that this variant is possibly or probably damaging. In conclusion, we classify FGFR3 p.Thr651Pro (c.1951A>C) as a variant of uncertain significance.

Literature cited by the submitters: PubMed 24352917.

NM_000142.5(FGFR3):c.1951A>C (p.Thr651Pro)

Gene: FGFR3 (fibroblast growth factor receptor 3; plus strand). Cytogenetic location: 4p16.3.
Variant type: single nucleotide variant.
Coding change: c.1951A>C on transcript NM_000142.5 (MANE Select); coding-DNA position 1951, A replaced by C.
Protein change: p.Thr651Pro; replaces threonine 651 with proline.
Molecular consequence: missense variant. On other transcripts: non-coding transcript variant (1).
Genome position (GRCh38, 1-based): chr4:1,806,165, A>C. VCF-style: chr4-1806165-A-C. GRCh37 (hg19) VCF-style: chr4-1807892-A-C.
Other names: c.1957A>C, p.Thr653Pro (NM_001163213.2); c.1954A>C, p.Thr652Pro (NM_001354809.2, NM_001354810.2); c.1615A>C, p.Thr539Pro (NM_022965.4); short protein forms T539P, T651P, T652P, T653P.
Identifiers: ClinVar variation 4857795 (VCV004857795.1).